The following is an entry in ClinVar:

NM_000135.4(FANCA):c.3470C>T (p.Ala1157Val)

Gene: FANCA (FA complementation group A; minus strand). Cytogenetic location: 16q24.3.
Variant type: single nucleotide variant.
Coding change: c.3470C>T on transcript NM_000135.4 (MANE Select); coding-DNA position 3470, C replaced by T.
Protein change: p.Ala1157Val; replaces alanine 1157 with valine.
Molecular consequence: missense variant.
Genome position (GRCh38, 1-based): chr16:89,746,627, G>A on the plus strand (C>T on the coding strand, the complement: FANCA is on the minus strand). VCF-style: chr16-89746627-G-A. GRCh37 (hg19) VCF-style: chr16-89813035-G-A.
Other names: c.3470C>T, p.Ala1157Val (NM_001286167.3); short protein forms A1157V.
Identifiers: ClinVar variation 2963021 (VCV002963021.4), dbSNP rs1366829446, ClinGen allele CA397485905.

ClinVar aggregate classification (germline): Uncertain significance. Review status: criteria provided, multiple submitters, no conflicts (2 of 4 stars). 2 submissions from 2 submitters: Uncertain significance (2). Last evaluated 2025-01-23.

Conditions:
Inborn genetic diseases. Identifiers: MedGen C0950123, MeSH D030342.
Fanconi anemia (FA). Also called: Fanconi's anemia. Identifiers: Orphanet 84, MedGen C0015625, MeSH D005199, MONDO:0019391.

Submissions (2):

Ambry Genetics
Classification: Uncertain significance for Inborn genetic diseases. Last evaluated: 2025-01-23. Review status: criteria provided, single submitter. Criteria: Ambry Variant Classification Scheme 2023. Collection method: clinical testing. Allele origin: germline.
Comment: The p.A1157V variant (also known as c.3470C>T), located in coding exon 35 of the FANCA gene, results from a C to T substitution at nucleotide position 3470. The alanine at codon 1157 is replaced by valine, an amino acid with similar properties. This amino acid position is conserved. In addition, this alteration is predicted to be tolerated by in silico analysis. Based on the available evidence, the clinical significance of this variant remains unclear.

Labcorp Genetics (formerly Invitae), Labcorp
Classification: Uncertain significance for Fanconi anemia. Last evaluated: 2023-08-02. Review status: criteria provided, single submitter. Criteria: Invitae Variant Classification Sherloc (09022015). Collection method: clinical testing. Allele origin: germline.
Comment: In summary, the available evidence is currently insufficient to determine the role of this variant in disease. Therefore, it has been classified as a Variant of Uncertain Significance. Advanced modeling of protein sequence and biophysical properties (such as structural, functional, and spatial information, amino acid conservation, physicochemical variation, residue mobility, and thermodynamic stability) performed at Invitae indicates that this missense variant is not expected to disrupt FANCA protein function. This variant has not been reported in the literature in individuals affected with FANCA-related conditions. This variant is not present in population databases (gnomAD no frequency). This sequence change replaces alanine, which is neutral and non-polar, with valine, which is neutral and non-polar, at codon 1157 of the FANCA protein (p.Ala1157Val).